The following is an entry in ClinVar:

ClinVar aggregate classification (germline): Uncertain significance. Review status: criteria provided, multiple submitters, no conflicts (2 of 4 stars). 6 submissions from 6 submitters: Uncertain significance (5). 1 of the submissions does not count toward it. Last evaluated 2024-06-28.

Conditions:
Nephronophthisis. Also called: Juvenile Nephronophthisis. Identifiers: Orphanet 655, MedGen C0687120, MONDO:0019005, HP:0000090.
Meckel-Gruber syndrome. Also called: GRUBER SYNDROME; DYSENCEPHALIA SPLANCHNOCYSTICA; Dysencephalia splachnocystica. Identifiers: Orphanet 564, MedGen C0265215, MONDO:0018921.
Joubert syndrome. Also called: JOUBERT-BOLTSHAUSER SYNDROME; Familial aplasia of the vermis. Identifiers: Orphanet 475, MedGen C5979921, MONDO:0018772.
Leber congenital amaurosis (LCA). Also called: Leber's amaurosis. Identifiers: Orphanet 65, MedGen C0339527, MeSH D057130, MONDO:0018998.
Inborn genetic diseases. Identifiers: MedGen C0950123, MeSH D030342.
Senior-Loken syndrome 6 (SLSN6). Identifiers: Orphanet 3156, MedGen C1857779, MONDO:0012433, OMIM 610189.
Leber congenital amaurosis 10 (LCA10). Identifiers: Orphanet 65, MedGen C1857821, MONDO:0012723, OMIM 611755.
Bardet-Biedl syndrome 14 (BBS14). Identifiers: Orphanet 110, MedGen C2673874, MONDO:0014442, OMIM 615991.
Joubert syndrome 5 (JBTS5). Identifiers: Orphanet 2318, MedGen C1857780, MONDO:0012432, OMIM 610188.
Meckel syndrome, type 4 (MKS4). Also called: MECKEL-GRUBER SYNDROME, TYPE 4. Identifiers: Orphanet 564, MedGen C1970161, MONDO:0012626, OMIM 611134.

Allele frequency attached by ClinVar (database versions not stated): gnomAD below 0.00001 and 0.00001; TOPMed below 0.00001; gnomAD exomes 0.00009; ExAC 0.00012.
gnomAD v4.1: 56 of 1,594,756 alleles (0.0035%); highest among the groups gnomAD compares: South Asian, 0.063%; 1 homozygote.

Submissions (6):

Ambry Genetics
Classification: Uncertain significance for Inborn genetic diseases. Last evaluated: 2024-06-28. Review status: criteria provided, single submitter. Criteria: Ambry Variant Classification Scheme 2023. Collection method: clinical testing. Allele origin: germline.

Fulgent Genetics
Classification: Uncertain significance for Joubert syndrome 5; Senior-Loken syndrome 6; Meckel syndrome, type 4; Leber congenital amaurosis 10; Bardet-Biedl syndrome 14. Last evaluated: 2022-02-25. Review status: criteria provided, single submitter. Criteria: ACMG Guidelines, 2015. Collection method: clinical testing. Allele origin: unknown.

Labcorp Genetics (formerly Invitae), Labcorp
Classification: Uncertain significance for Joubert syndrome; Meckel-Gruber syndrome; Nephronophthisis. Last evaluated: 2021-08-24. Review status: criteria provided, single submitter. Criteria: Invitae Variant Classification Sherloc (09022015). Collection method: clinical testing. Allele origin: germline.
Comment: This sequence change replaces glutamine with lysine at codon 731 of the CEP290 protein (p.Gln731Lys). The glutamine residue is moderately conserved and there is a small physicochemical difference between glutamine and lysine. This variant is present in population databases (rs767250881, ExAC 0.08%). This variant has not been reported in the literature in individuals affected with CEP290-related conditions. Algorithms developed to predict the effect of missense changes on protein structure and function (SIFT, PolyPhen-2, Align-GVGD) all suggest that this variant is likely to be tolerated. In summary, the available evidence is currently insufficient to determine the role of this variant in disease. Therefore, it has been classified as a Variant of Uncertain Significance.

Blueprint Genetics
Classification: Uncertain significance. Last evaluated: 2020-05-19. Review status: criteria provided, single submitter. Criteria: ACMG Guidelines, 2015. Collection method: clinical testing. Allele origin: germline.

Revvity Omics, Revvity
Classification: Uncertain significance. Last evaluated: 2019-09-08. Review status: criteria provided, single submitter. Criteria: ACMG Guidelines, 2015. Collection method: clinical testing. Allele origin: germline.

Natera, Inc.
Classification: Uncertain significance for Leber congenital amaurosis. Last evaluated: 2019-10-28. Review status: no assertion criteria provided. Collection method: clinical testing. Allele origin: germline. Not counted in ClinVar's aggregate classification.

NM_025114.4(CEP290):c.2191C>A (p.Gln731Lys)

Gene: CEP290 (centrosomal protein 290; minus strand). Cytogenetic location: 12q21.32.
Variant type: single nucleotide variant.
Coding change: c.2191C>A on transcript NM_025114.4 (MANE Select); coding-DNA position 2191, C replaced by A.
Protein change: p.Gln731Lys; replaces glutamine 731 with lysine.
Molecular consequence: missense variant.
Genome position (GRCh38, 1-based): chr12:88,111,720, G>T on the plus strand (C>A on the coding strand, the complement: CEP290 is on the minus strand). VCF-style: chr12-88111720-G-T. GRCh37 (hg19) VCF-style: chr12-88505497-G-T.
Other names: short protein forms Q731K.
Identifiers: ClinVar variation 461779 (VCV000461779.13), dbSNP rs767250881, ClinGen allele CA6712387.
Genomic context (GRCh38, chr12:88,111,720, plus strand): 5'-TTTAGCATTTTCTTTTATTTAATAAAATTCTCACCTTTAAATTAGCTTTTGCCAACTGCT[G>T]TGAATAATTTATAGCCTCTTTCCGAGATTCCCTGAGCTCCTGTCTTAATTCTTCATTTCT-3'
Protein context (NP_079390.3, residues 721-741): ESRKEAINYS[Gln731Lys]QLAKANLKID